The following is an entry in ClinVar:

NM_001130144.3(LTBP3):c.3670G>T (p.Val1224Leu)

Gene: LTBP3 (latent transforming growth factor beta binding protein 3; minus strand). Cytogenetic location: 11q13.1.
Variant type: single nucleotide variant.
Coding change: c.3670G>T on transcript NM_001130144.3 (MANE Select); coding-DNA position 3670, G replaced by T.
Protein change: p.Val1224Leu; replaces valine 1224 with leucine.
Molecular consequence: missense variant.
Genome position (GRCh38, 1-based): chr11:65,539,418, C>A on the plus strand (G>T on the coding strand, the complement: LTBP3 is on the minus strand). VCF-style: chr11-65539418-C-A. GRCh37 (hg19) VCF-style: chr11-65306889-C-A.
Other names: c.3178G>T, p.Val1060Leu (NM_001164266.1); c.3529G>T, p.Val1177Leu (NM_021070.4); short protein forms V1060L, V1224L, V1177L.
Identifiers: ClinVar variation 1733793 (VCV001733793.2), dbSNP rs1333181307, ClinGen allele CA381266351.

ClinVar aggregate classification (germline): Uncertain significance (1 of 4 stars; one submission).

Conditions:
Inborn genetic diseases. Identifiers: MedGen C0950123, MeSH D030342.

Submission:

Ambry Genetics
Classification: Uncertain significance for Inborn genetic diseases. Last evaluated: 2022-06-14. Review status: criteria provided, single submitter. Criteria: Ambry Variant Classification Scheme 2023. Collection method: clinical testing. Allele origin: germline.
Comment: The p.V1224L variant (also known as c.3670G>T), located in coding exon 27 of the LTBP3 gene, results from a G to T substitution at nucleotide position 3670. The valine at codon 1224 is replaced by leucine, an amino acid with highly similar properties. This amino acid position is conserved. In addition, the in silico prediction for this alteration is inconclusive. Since supporting evidence is limited at this time, the clinical significance of this alteration remains unclear.